The following is an entry in ClinVar:

ClinVar aggregate classification (germline): Likely pathogenic. Review status: criteria provided, multiple submitters, no conflicts (2 of 4 stars). 2 submissions from 2 submitters: Likely pathogenic (2). Last evaluated 2025-05-12.

Conditions:
Myofibrillar myopathy 5. Also called: Filaminopathy (type); FILAMINOPATHY, AUTOSOMAL DOMINANT. Identifiers: Orphanet 171445, MedGen C1836050, MONDO:0012289, OMIM 609524.
Distal myopathy with posterior leg and anterior hand involvement. Also called: WILLIAMS DISTAL MYOPATHY. Identifiers: Orphanet 63273, MedGen C3279722, MONDO:0013550, OMIM 614065.
Hypertrophic cardiomyopathy 26. Also called: Cardiomyopathy, familial hypertrophic, 26. Identifiers: Orphanet 75249, MedGen C4310749, MONDO:0014883, OMIM 617047.
Primary familial dilated cardiomyopathy (FDC). Also called: Hypokinetic dilated cardiomyopathy, familial; Familial dilated cardiomyopathy. Identifiers: MONDO:0016333, Orphanet 217607, MedGen C0340427.

Submissions (2):

Women's Health and Genetics/Laboratory Corporation of America, LabCorp
Classification: Likely pathogenic for Primary familial dilated cardiomyopathy. Last evaluated: 2025-05-12. Review status: criteria provided, single submitter. Criteria: LabCorp Variant Classification Summary - May 2015. Collection method: clinical testing. Allele origin: germline.
Comment: Variant summary: FLNC c.5399-1G>A is located in a canonical splice-site and is predicted to affect mRNA splicing resulting in a significantly altered protein due to either exon skipping, shortening, or inclusion of intronic material. Variants that disrupt the consensus splice site are a relatively common cause of aberrant splicing and loss of FLNC function. Several computational tools predict a significant impact on normal splicing: Four predict the variant weakens a 3' acceptor site. However, these predictions have yet to be confirmed by functional studies. The frequency data for this variant in gnomAD is considered unreliable, as metrics indicate poor data quality at this position. To our knowledge, no occurrence of c.5399-1G>A in individuals affected with Dilated Cardiomyopathy and no experimental evidence demonstrating its impact on protein function have been reported. ClinVar contains an entry for this variant (Variation ID: 2107251). Based on the evidence outlined above, the variant was classified as likely pathogenic.

Labcorp Genetics (formerly Invitae), Labcorp
Classification: Likely pathogenic for Distal myopathy with posterior leg and anterior hand involvement; Myofibrillar myopathy 5; Hypertrophic cardiomyopathy 26. Last evaluated: 2022-07-01. Review status: criteria provided, single submitter. Criteria: Invitae Variant Classification Sherloc (09022015). Collection method: clinical testing. Allele origin: germline.
Comment: In summary, the currently available evidence indicates that the variant is pathogenic, but additional data are needed to prove that conclusively. Therefore, this variant has been classified as Likely Pathogenic. Algorithms developed to predict the effect of sequence changes on RNA splicing suggest that this variant may disrupt the consensus splice site. This variant has not been reported in the literature in individuals affected with FLNC-related conditions. This variant is not present in population databases (gnomAD no frequency). This sequence change affects an acceptor splice site in intron 32 of the FLNC gene. It is expected to disrupt RNA splicing. Variants that disrupt the donor or acceptor splice site typically lead to a loss of protein function (PMID: 16199547), and loss-of-function variants in FLNC are known to be pathogenic (PMID: 27908349).

Literature cited by the submitters: PubMed 16199547 (cited by Labcorp Genetics (formerly Invitae), Labcorp); PubMed 27908349 (cited by Labcorp Genetics (formerly Invitae), Labcorp).

NM_001458.5(FLNC):c.5399-1G>A

Genes: FLNC-AS1 (FLNC antisense RNA 1; minus strand), FLNC (filamin C; plus strand). Cytogenetic location: 7q32.1.
Variant type: single nucleotide variant.
Coding change: c.5399-1G>A on transcript NM_001458.5 (MANE Select); the canonical splice acceptor site of the intron before coding-DNA position 5399, G replaced by A.
Molecular consequence: splice acceptor variant.
Genome position (GRCh38, 1-based): chr7:128,850,802, G>A. VCF-style: chr7-128850802-G-A. GRCh37 (hg19) VCF-style: chr7-128490856-G-A.
Other names: c.5300-1G>A (NM_001127487.2).
Identifiers: ClinVar variation 2107251 (VCV002107251.5), dbSNP rs2536654502, ClinGen allele CA369206534.
Genomic context (GRCh38, chr7:128,850,802, plus strand): 5'-ACAGCAGGGAGGTTGCAGTGGGGGAAACCAGGGTCTCCACGTAACTGTGTCTGCCCTGCA[G>A]GAGAGGTGCGGATGCCCTCGGGGAAGACGGCACGGCCCAACATCACCGACAACAAGGACG-3'